The following is an entry in ClinVar:

NM_012282.4(KCNE5):c.277G>T (p.Glu93Ter)

Gene: KCNE5 (potassium voltage-gated channel subfamily E regulatory subunit 5; minus strand). Cytogenetic location: Xq23.
Variant type: single nucleotide variant.
Coding change: c.277G>T on transcript NM_012282.4 (MANE Select); coding-DNA position 277, G replaced by T.
Protein change: p.Glu93Ter; replaces glutamic acid 93 with a stop codon.
Molecular consequence: nonsense.
Genome position (GRCh38, 1-based): chrX:109,624,744, C>A on the plus strand (G>T on the coding strand, the complement: KCNE5 is on the minus strand). VCF-style: chrX-109624744-C-A. GRCh37 (hg19) VCF-style: chrX-108867973-C-A.
Other names: short protein forms E93*.
Identifiers: ClinVar variation 942887 (VCV000942887.8), dbSNP rs61729624, ClinGen allele CA10490865.

ClinVar aggregate classification (germline): Uncertain significance (1 of 4 stars; one submission).

Conditions:
Brugada syndrome. Also called: Sudden unexpected nocturnal death syndrome; Sudden Unexplained Death Syndrome; Sudden Unexplained Nocturnal Death Syndrome (SUNDS); Sudden unexplained nocturnal death syndrome. Identifiers: Orphanet 130, MedGen C1142166, MONDO:0015263.

Allele frequency attached by ClinVar (database versions not stated): TOPMed 0.00002; ExAC 0.00006; gnomAD 0.00006 and 0.00008; gnomAD exomes 0.00006; 1000 Genomes Project 0.00053; 1000 Genomes Project 30x 0.00062.
gnomAD v4.1: 41 of 1,209,494 alleles (0.0034%); highest among the groups gnomAD compares: East Asian, 0.1%; no homozygotes.

Submission:

Labcorp Genetics (formerly Invitae), Labcorp
Classification: Uncertain significance for Brugada syndrome. Last evaluated: 2019-09-25. Review status: criteria provided, single submitter. Criteria: Invitae Variant Classification Sherloc (09022015). Collection method: clinical testing. Allele origin: germline.
Comment: In summary, the available evidence is currently insufficient to determine the role of this variant in disease. Therefore, it has been classified as a Variant of Uncertain Significance. Experimental studies and prediction algorithms are not available or were not evaluated for this variant, and the functional significance of this variant is currently unknown. This variant has not been reported in the literature in individuals with KCNE5-related conditions. This variant is present in population databases (rs61729624, ExAC 0.07%). This sequence change results in a premature translational stop signal in the KCNE5 gene (p.Glu93*). While this is not anticipated to result in nonsense mediated decay, it is expected to disrupt the last 50 amino acids of the KCNE5 protein.